The following is an entry in ClinVar:

ClinVar aggregate classification (germline): Uncertain significance. Review status: reviewed by expert panel (3 of 4 stars). 3 submissions from 3 submitters: Uncertain significance (1). 2 of the submissions do not count toward it. Last evaluated 2026-06-11.

Conditions:
OTC-related disorder. Also called: OTC-related condition.
Ornithine carbamoyltransferase deficiency (OTCD). Also called: OTC DEFICIENCY; ORNITHINE TRANSCARBAMYLASE DEFICIENCY; ORNITHINE TRANSCARBAMYLASE DEFICIENCY, HYPERAMMONEMIA DUE TO; Ornithine Carbamoyltransferase Deficiency Disease. Identifiers: Orphanet 664, MedGen C0268542, MONDO:0010703, OMIM 311250.

Submissions (3):

Clingen Urea Cycle Disorders Variant Curation Expert Panel, ClinGen
Classification: Uncertain significance for Ornithine carbamoyltransferase deficiency. Last evaluated: 2026-06-11. Review status: reviewed by expert panel. Criteria: ClinGen UreaCycles ACMG Specifications OTC V1.0. Collection method: curation. Allele origin: germline. Inheritance: X-linked inheritance.
Comment: The NM_000156.6:c.264AAG[1] (p.Arg89del) variant in OTC is an in-frame deletion of the Arg89 residue, which is located in the loop between the B3 beta-sheet and the H2 alpha-helix and is immediately adjacent to the STRT motif which is involved in carbamylphosphate binding and catalysis (PM4). This variant is absent in gnomAD v4.1.0 (PM2_Supporting). In summary, this variant meets the criteria to be classified as a variant of uncertain significance for OTC deficiency based on the ACMG/AMP criteria applied, as specified by the ClinGen Urea Cycle Disorders Variant Curation Expert Panel (OTC specifications version 1.0.0): PM4, PM2_Supporting.

PreventionGenetics, part of Exact Sciences
Classification: Uncertain significance for OTC-related condition. Last evaluated: 2025-04-01. Review status: criteria provided, single submitter. Criteria: ACMG Guidelines, 2015. Collection method: clinical testing. Allele origin: germline. Not counted in ClinVar's aggregate classification.
Comment: The OTC c.267_269delAAG variant is predicted to result in an in-frame deletion (p.Arg89del). This variant has been reported in the heterozygous state in an individual with ornithine transcarbamylase deficiency (described as c.264_266del p.(Arg89del) in Table S2, Makris et al. 2021. PubMed ID: 33309754). This variant has not been reported in a large population database (gnomAD), indicating this variant is rare. Although we suspect that this variant may be pathogenic, at this time, the clinical significance of this variant is uncertain due to the absence of conclusive functional and genetic evidence.

Labcorp Genetics (formerly Invitae), Labcorp
Classification: Uncertain significance for Ornithine carbamoyltransferase deficiency. Last evaluated: 2019-09-26. Review status: criteria provided, single submitter. Criteria: Invitae Variant Classification Sherloc (09022015). Collection method: clinical testing. Allele origin: germline. Not counted in ClinVar's aggregate classification.
Comment: In summary, the available evidence is currently insufficient to determine the role of this variant in disease. Therefore, it has been classified as a Variant of Uncertain Significance. Experimental studies and prediction algorithms are not available or were not evaluated for this variant, and the functional significance of this variant is currently unknown. This variant has not been reported in the literature in individuals with OTC-related conditions. This variant is not present in population databases (ExAC no frequency). This variant, c.267_269del, results in the deletion of 1 amino acid(s) of the OTC protein (p.Arg89del), but otherwise preserves the integrity of the reading frame.

NM_000531.6(OTC):c.264AAG[1] (p.Arg89del)

Gene: OTC (ornithine transcarbamylase; plus strand). Cytogenetic location: Xp11.4.
Variant type: Microsatellite.
Coding change: c.264AAG[1] on transcript NM_000531.6 (MANE Select); one copy of the 3-base unit AAG starting at c.264; the reference has two copies in a row; one copy, 3 bases deleted.
Protein change: p.Arg89del; deletes arginine 89.
Molecular consequence: inframe deletion.
Genome position (GRCh38, 1-based): chrX:38,369,846-38,369,848, AAG deleted; deleting any 3 consecutive bases within chrX:38,369,843-38,369,848 gives the same sequence; the position shown is the placement nearest the transcript's 3' end. VCF-style (leftmost placement, unchanged base first): chrX-38369842-AAAG-A. GRCh37 (hg19) VCF-style: chrX-38229095-AAAG-A.
Other names: NM_000531.6(OTC):c.264AAG[1]; p.Arg89del; c.267_269delAAG (NM_000531.5); short protein forms R89del.
Identifiers: ClinVar variation 957857 (VCV000957857.10), dbSNP rs2068315148, ClinGen allele CA2424871675.
Genomic context (GRCh38, chrX:38,369,842, plus strand): 5'-TCCTTGATTTATAGTATTTGCCTTTATTGCAAGGGAAGTCCTTAGGCATGATTTTTGAGA[AAAG>A]AAGTACTCGAACAAGATTGTCTACAGAAACAGGTAAGTCCACTGCCAAATTCACACTTGT-3'